The following is an entry in ClinVar:

ClinVar aggregate classification (germline): Pathogenic. Review status: criteria provided, multiple submitters, no conflicts (2 of 4 stars). 2 submissions from 2 submitters: Pathogenic (2). Last evaluated 2022-01-19.

Conditions:
Leigh syndrome (NULS). Also called: Leigh Syndrome (mtDNA deletion); Leigh Disease; Subacute necrotizing encephalopathy; LEIGH SYNDROME, NUCLEAR; Necrotizing encephalopathy infantile subacute of Leigh; Leigh's necrotizing encephalopathy. Identifiers: Orphanet 506, MedGen C2931891, MONDO:0009723, OMIM 256000.

Allele frequency attached by ClinVar (database versions not stated): TOPMed 0.00001.

Submissions (2):

Labcorp Genetics (formerly Invitae), Labcorp
Classification: Pathogenic for Leigh syndrome. Last evaluated: 2022-01-19. Review status: criteria provided, single submitter. Criteria: Invitae Variant Classification Sherloc (09022015). Collection method: clinical testing. Allele origin: germline.
Comment: This sequence change creates a premature translational stop signal (p.Trp79*) in the SURF1 gene. It is expected to result in an absent or disrupted protein product. Loss-of-function variants in SURF1 are known to be pathogenic (PMID: 10443880, 22488715, 24027061). This variant is not present in population databases (gnomAD no frequency). This premature translational stop signal has been observed in individual(s) with SURF1-related conditions (PMID: 24462369). ClinVar contains an entry for this variant (Variation ID: 802529). For these reasons, this variant has been classified as Pathogenic.

Mendelics
Classification: Pathogenic for Leigh syndrome. Last evaluated: 2019-05-28. Review status: criteria provided, single submitter. Criteria: Mendelics Assertion Criteria 2017. Collection method: clinical testing. Allele origin: unknown.

Literature cited by the submitters: PubMed 10443880 (cited by Labcorp Genetics (formerly Invitae), Labcorp); PubMed 22488715 (cited by Labcorp Genetics (formerly Invitae), Labcorp); PubMed 24027061 (cited by Labcorp Genetics (formerly Invitae), Labcorp); PubMed 24462369 (cited by Labcorp Genetics (formerly Invitae), Labcorp).

NM_003172.4(SURF1):c.236G>A (p.Trp79Ter)

Gene: SURF1 (SURF1 cytochrome c oxidase assembly factor; minus strand). Cytogenetic location: 9q34.2.
Variant type: single nucleotide variant.
Coding change: c.236G>A on transcript NM_003172.4 (MANE Select); coding-DNA position 236, G replaced by A.
Protein change: p.Trp79Ter; replaces tryptophan 79 with a stop codon.
Molecular consequence: nonsense. On other transcripts: 5 prime UTR variant (1).
Genome position (GRCh38, 1-based): chr9:133,354,828, C>T on the plus strand (G>A on the coding strand, the complement: SURF1 is on the minus strand). VCF-style: chr9-133354828-C-T. GRCh37 (hg19) VCF-style: chr9-136221683-C-T.
Other names: c.-92G>A (NM_001280787.1); short protein forms W79*.
Identifiers: ClinVar variation 802529 (VCV000802529.5), dbSNP rs1244071473, ClinGen allele CA375694727.